The following is an entry in ClinVar:

ClinVar aggregate classification (germline): Uncertain significance (1 of 4 stars; one submission).

Conditions:
Cortical dysplasia-focal epilepsy syndrome (PTHSL1). Also called: Pitt-Hopkins-like syndrome 1. Identifiers: Orphanet 163681, Orphanet 221150, MedGen C2750246, MONDO:0012400, OMIM 610042.

Allele frequency attached by ClinVar (database versions not stated): ExAC 0.00001; gnomAD 0.00003; ESP Exome Variant Server 0.00008.
gnomAD v4.1: 5 of 1,611,864 alleles (0.00031%); highest among the groups gnomAD compares: African/African-American, 0.0067%; no homozygotes.

Submission:

Labcorp Genetics (formerly Invitae), Labcorp
Classification: Uncertain significance for Cortical dysplasia-focal epilepsy syndrome. Last evaluated: 2024-10-23. Review status: criteria provided, single submitter. Criteria: Invitae Variant Classification Sherloc (09022015). Collection method: clinical testing. Allele origin: germline.
Comment: This sequence change replaces methionine, which is neutral and non-polar, with isoleucine, which is neutral and non-polar, at codon 505 of the CNTNAP2 protein (p.Met505Ile). This variant is present in population databases (rs372161542, gnomAD 0.008%). This variant has not been reported in the literature in individuals affected with CNTNAP2-related conditions. ClinVar contains an entry for this variant (Variation ID: 1901399). An algorithm developed to predict the effect of missense changes on protein structure and function (PolyPhen-2) suggests that this variant¬†is likely to be tolerated. In summary, the available evidence is currently insufficient to determine the role of this variant in disease. Therefore, it has been classified as a Variant of Uncertain Significance.

NM_014141.6(CNTNAP2):c.1515G>C (p.Met505Ile)

Gene: CNTNAP2 (contactin associated protein 2; plus strand). Cytogenetic location: 7q35.
Variant type: single nucleotide variant.
Coding change: c.1515G>C on transcript NM_014141.6 (MANE Select); coding-DNA position 1515, G replaced by C.
Protein change: p.Met505Ile; replaces methionine 505 with isoleucine.
Molecular consequence: missense variant.
Genome position (GRCh38, 1-based): chr7:147,395,625, G>C. VCF-style: chr7-147395625-G-C. GRCh37 (hg19) VCF-style: chr7-147092717-G-C.
Other names: short protein forms M505I.
Identifiers: ClinVar variation 1901399 (VCV001901399.3), dbSNP rs372161542, ClinGen allele CA4546103.